The following is an entry in ClinVar:

NM_000368.5(TSC1):c.2588del (p.Leu863fs)

Gene: TSC1 (TSC complex subunit 1; minus strand). Cytogenetic location: 9q34.13.
Variant type: Deletion.
Coding change: c.2588del on transcript NM_000368.5 (MANE Select); coding-DNA position 2588, one base deleted (T; older notation c.2588delT).
Protein change: p.Leu863fs; shifts the reading frame from leucine 863.
Molecular consequence: frameshift variant. On other transcripts: non-coding transcript variant (5).
Genome position (GRCh38, 1-based): chr9:132,900,752, A deleted on the plus strand (T on the coding strand, the reverse complement: TSC1 is on the minus strand); the first of 3 consecutive A bases (chr9:132,900,752-132,900,754); deleting any one gives the same sequence. VCF-style (leftmost placement, unchanged base first): chr9-132900751-CA-C. GRCh37 (hg19) VCF-style: chr9-135776138-CA-C.
Other names: c.2585del, p.Leu862fs (NM_001406598.1, NM_001406599.1, NM_001406600.1 and 2 more transcripts); c.2546del, p.Leu849fs (NM_001406605.1, NM_001406606.1, NM_001406607.1); c.2573del, p.Leu858fs (NM_001406601.1, NM_001406602.1); c.2570del, p.Leu857fs (NM_001406603.1, NM_001406604.1); c.2543del, p.Leu848fs (NM_001406608.1, NM_001406609.1); c.2588del, p.Leu863fs (NM_001406593.1, NM_001406594.1, NM_001406595.1 and 2 more transcripts); c.2435del, p.Leu812fs (NM_001162427.2, NM_001406610.1); c.2225del, p.Leu742fs (NM_001362177.2, NM_001406614.1, NM_001406615.1 and 4 more transcripts); and 8 more; short protein forms L727fs, L812fs, L512fs, L546fs, L741fs, L811fs, L545fs, L728fs.
Identifiers: ClinVar variation 2804412 (VCV002804412.3), dbSNP rs2538548937, ClinGen allele CA2739265164.

ClinVar aggregate classification (germline): Pathogenic (1 of 4 stars; one submission).

Conditions:
Tuberous sclerosis 1 (TSC1). Identifiers: Orphanet 805, MedGen C1854465, MONDO:0008612, OMIM 191100.

Submission:

Labcorp Genetics (formerly Invitae), Labcorp
Classification: Pathogenic for Tuberous sclerosis 1. Last evaluated: 2022-12-24. Review status: criteria provided, single submitter. Criteria: Invitae Variant Classification Sherloc (09022015). Collection method: clinical testing. Allele origin: germline.
Comment: This sequence change creates a premature translational stop signal (p.Leu863Trpfs*15) in the TSC1 gene. It is expected to result in an absent or disrupted protein product. Loss-of-function variants in TSC1 are known to be pathogenic (PMID: 10227394, 17304050). This variant is not present in population databases (gnomAD no frequency). This variant has not been reported in the literature in individuals affected with TSC1-related conditions. For these reasons, this variant has been classified as Pathogenic.

Literature cited by the submitters: PubMed 10227394; PubMed 17304050.